The following is an entry in ClinVar:

NM_014314.4(RIGI):c.790G>A (p.Ala264Thr)

Gene: RIGI (RNA sensor RIG-I; minus strand). Cytogenetic location: 9p21.1.
Variant type: single nucleotide variant.
Coding change: c.790G>A on transcript NM_014314.4 (MANE Select); coding-DNA position 790, G replaced by A.
Protein change: p.Ala264Thr; replaces alanine 264 with threonine.
Molecular consequence: missense variant.
Genome position (GRCh38, 1-based): chr9:32,489,353, C>T on the plus strand (G>A on the coding strand, the complement: RIGI is on the minus strand). VCF-style: chr9-32489353-C-T. GRCh37 (hg19) VCF-style: chr9-32489351-C-T.
Other names: c.790G>A, p.Ala264Thr (NM_001385907.1, NM_001385909.1); c.349G>A, p.Ala117Thr (NM_001385910.1); c.181G>A, p.Ala61Thr (NM_001385912.1); c.775G>A, p.Ala259Thr (NM_001385913.1); c.346G>A, p.Ala116Thr (NM_001385914.1); short protein forms A61T, A259T, A117T, A116T, A264T.
Identifiers: ClinVar variation 2814400 (VCV002814400.3), dbSNP rs2489333972, ClinGen allele CA373158877.

ClinVar aggregate classification (germline): Uncertain significance (1 of 4 stars; one submission).

Allele frequency attached by ClinVar (database versions not stated): gnomAD exomes below 0.00001.
gnomAD v4.1: 6 of 1,609,492 alleles (0.00037%); highest among the groups gnomAD compares: Non-Finnish European, 0.00051%; no homozygotes.

Submission:

Labcorp Genetics (formerly Invitae), Labcorp
Classification: Uncertain significance. Last evaluated: 2023-03-24. Review status: criteria provided, single submitter. Criteria: Invitae Variant Classification Sherloc (09022015). Collection method: clinical testing. Allele origin: germline.
Comment: In summary, the available evidence is currently insufficient to determine the role of this variant in disease. Therefore, it has been classified as a Variant of Uncertain Significance. Advanced modeling of protein sequence and biophysical properties (such as structural, functional, and spatial information, amino acid conservation, physicochemical variation, residue mobility, and thermodynamic stability) performed at Invitae indicates that this missense variant is expected to disrupt DDX58 protein function. This variant has not been reported in the literature in individuals affected with DDX58-related conditions. This variant is not present in population databases (gnomAD no frequency). This sequence change replaces alanine, which is neutral and non-polar, with threonine, which is neutral and polar, at codon 264 of the DDX58 protein (p.Ala264Thr).